The following is an entry in ClinVar:

ClinVar aggregate classification (germline): Pathogenic (1 of 4 stars; one submission).

Conditions:
Atypical hemolytic-uremic syndrome. Identifiers: Orphanet 2134, MedGen C2931788, MONDO:0016244.

Submission:

Genomenon, Inc
Classification: Pathogenic for Atypical hemolytic-uremic syndrome. Last evaluated: 2025-10-02. Review status: criteria provided, single submitter. Criteria: Genomenon Sequence Variant Interpretation Standards. Collection method: curation. Allele origin: germline. Affected: yes.
Comment: CD46 p.Lys249AsnfsTer5 (c.747_751del) is a frameshift variant that results in the production of a truncated protein which is predicted to undergo nonsense-mediated mRNA decay. This variant has been observed in at least one proband affected with atypical hemolytic-uremic syndrome (PMID:24799305;15661753). It is absent or not present at a significant frequency in gnomAD. In conclusion, we classify CD46 p.Lys249AsnfsTer5 (c.747_751del) as a pathogenic variant.

Literature cited by the submitters: PubMed 24799305; PubMed 15661753.

NM_172351.3(CD46):c.747_751del (p.Lys249fs)

Gene: CD46 (CD46 molecule; plus strand). Cytogenetic location: 1q32.2.
Variant type: Deletion.
Coding change: c.747_751del on transcript NM_172351.3 (MANE Select); coding-DNA positions 747 to 751, 5 bases deleted (AGCAA; older notation c.747_751delAGCAA).
Protein change: p.Lys249fs; shifts the reading frame from lysine 249.
Molecular consequence: frameshift variant.
Genome position (GRCh38, 1-based): chr1:207,767,086-207,767,090, AGCAA deleted; deleting any 5 consecutive bases within chr1:207,767,083-207,767,090 gives the same sequence; the c. name uses the placement nearest the transcript's 3' end. VCF-style (leftmost placement, unchanged base first): chr1-207767082-ACAAAG-A. GRCh37 (hg19) VCF-style: chr1-207940427-ACAAAG-A.
Other names: c.747_751del, p.Lys249fs (NM_002389.4, NM_153826.4, NM_172350.3 and 8 more transcripts); short protein forms K249fs.
Identifiers: ClinVar variation 4291174 (VCV004291174.1).